The following is an entry in ClinVar:

ClinVar aggregate classification (germline): Uncertain significance (1 of 4 stars; one submission).

Conditions:
Neuropathy, hereditary sensory, type 2C. Also called: KIF1A-Related HSAN2 (HSAN2C); Hereditary sensory and autonomic neuropathy type IIC. Identifiers: Orphanet 970, MedGen C3280168, MONDO:0013634, OMIM 614213.
Hereditary spastic paraplegia 30. Identifiers: Orphanet 101010, MedGen C5235139, MONDO:0012476.
Intellectual disability, autosomal dominant 9 (NESCAVS). Also called: KIF1A-Related Neurodevelopmental Disorder; NESCAV SYNDROME. Identifiers: Orphanet 662367, MedGen C5393830, MONDO:0013656, OMIM 614255.

Submission:

Labcorp Genetics (formerly Invitae), Labcorp
Classification: Uncertain significance for Hereditary spastic paraplegia 30; Neuropathy, hereditary sensory, type 2C; Intellectual disability, autosomal dominant 9. Last evaluated: 2025-05-04. Review status: criteria provided, single submitter. Criteria: Invitae Variant Classification Sherloc (09022015). Collection method: clinical testing. Allele origin: germline.
Comment: This sequence change replaces leucine, which is neutral and non-polar, with phenylalanine, which is neutral and non-polar, at codon 883 of the KIF1A protein (p.Leu883Phe). This variant is not present in population databases (gnomAD no frequency). This variant has not been reported in the literature in individuals affected with KIF1A-related conditions. Invitae Evidence Modeling of protein sequence and biophysical properties (such as structural, functional, and spatial information, amino acid conservation, physicochemical variation, residue mobility, and thermodynamic stability) has been performed for this missense variant. However, the output from this modeling did not meet the statistical confidence thresholds required to predict the impact of this variant on KIF1A protein function. In summary, the available evidence is currently insufficient to determine the role of this variant in disease. Therefore, it has been classified as a Variant of Uncertain Significance.

NM_001244008.2(KIF1A):c.2950C>T (p.Leu984Phe)

Gene: KIF1A (kinesin family member 1A; minus strand). Cytogenetic location: 2q37.3.
Variant type: single nucleotide variant.
Coding change: c.2950C>T on transcript NM_001244008.2 (MANE Select); coding-DNA position 2950, C replaced by T.
Protein change: p.Leu984Phe; replaces leucine 984 with phenylalanine.
Molecular consequence: missense variant.
Genome position (GRCh38, 1-based): chr2:240,750,456, G>A on the plus strand (C>T on the coding strand, the complement: KIF1A is on the minus strand). VCF-style: chr2-240750456-G-A. GRCh37 (hg19) VCF-style: chr2-241689873-G-A.
Other names: c.2674C>T, p.Leu892Phe (NM_001320705.2, NM_001330289.2, NM_001379638.1); c.2749C>T, p.Leu917Phe (NM_001330290.2, NM_001379634.1, NM_001379635.1 and 1 more transcripts); c.3025C>T, p.Leu1009Phe (NM_001379631.1); c.2899C>T, p.Leu967Phe (NM_001379632.1); c.2923C>T, p.Leu975Phe (NM_001379633.1, NM_001379642.1, NM_001379645.1); c.2647C>T, p.Leu883Phe (NM_001379636.1, NM_001379639.1, NM_001379640.1 and 6 more transcripts); c.2722C>T, p.Leu908Phe (NM_001379637.1, NM_001379648.1); short protein forms L917F, L883F, L984F, L1009F, L892F, L908F, L967F, L975F.
Identifiers: ClinVar variation 4782546 (VCV004782546.1).